The following is an entry in ClinVar:

NM_002439.5(MSH3):c.2228A>C (p.Gln743Pro)

Gene: MSH3 (mutS homolog 3; plus strand). Cytogenetic location: 5q14.1.
Variant type: single nucleotide variant.
Coding change: c.2228A>C on transcript NM_002439.5 (MANE Select); coding-DNA position 2228, A replaced by C.
Protein change: p.Gln743Pro; replaces glutamine 743 with proline.
Molecular consequence: missense variant.
Genome position (GRCh38, 1-based): chr5:80,768,978, A>C. VCF-style: chr5-80768978-A-C. GRCh37 (hg19) VCF-style: chr5-80064797-A-C.
Other names: short protein forms Q743P.
Identifiers: ClinVar variation 2586076 (VCV002586076.3), dbSNP rs1744171476, ClinGen allele CA360279726.

ClinVar aggregate classification (germline): Uncertain significance (1 of 4 stars; one submission).

Conditions:
Hereditary cancer-predisposing syndrome. Also called: Hereditary neoplastic syndrome; Tumor predisposition; Hereditary Cancer Syndrome; Neoplastic Syndromes, Hereditary. Identifiers: Orphanet 140162, MedGen C0027672, MeSH D009386, MONDO:0015356.

gnomAD v4.1: 1 of 1,613,022 alleles (0.000062%); no homozygotes.

Submission:

Ambry Genetics
Classification: Uncertain significance for Hereditary cancer-predisposing syndrome. Last evaluated: 2025-12-07. Review status: criteria provided, single submitter. Criteria: Ambry Variant Classification Scheme 2023. Collection method: clinical testing. Allele origin: germline.
Comment: The p.Q743P variant (also known as c.2228A>C), located in coding exon 15 of the MSH3 gene, results from an A to C substitution at nucleotide position 2228. The glutamine at codon 743 is replaced by proline, an amino acid with similar properties. This amino acid position is not well conserved in available vertebrate species. In addition, the in silico prediction for this alteration is inconclusive. Since supporting evidence is limited at this time, the clinical significance of this alteration remains unclear.